The following is an entry in ClinVar:

NM_000051.4(ATM):c.2663_2664delinsT (p.Glu888fs)

Gene: ATM (ATM serine/threonine kinase; plus strand). Cytogenetic location: 11q22.3.
Variant type: Indel.
Coding change: c.2663_2664delinsT on transcript NM_000051.4 (MANE Select); coding-DNA positions 2663 to 2664, AA replaced by T.
Protein change: p.Glu888fs; shifts the reading frame from glutamic acid 888.
Molecular consequence: frameshift variant.
Genome position (GRCh38, 1-based): chr11:108,268,434-108,268,435, AA replaced by T. VCF-style: chr11-108268434-AA-T. GRCh37 (hg19) VCF-style: chr11-108139161-AA-T.
Other names: c.2663_2664delinsT, p.Glu888fs (NM_001351834.2); short protein forms E888fs.
Identifiers: ClinVar variation 2673530 (VCV002673530.1), dbSNP rs2497630969, ClinGen allele CA2695198970.
Genomic context (GRCh38, chr11:108,268,434, plus strand): 5'-CTTCTCTTAGTGTTAATGAGTGCTTTTTATTTTTAGGTGCCATTAATCCTTTAGCTGAAG[AA>T]TATCTGTCAAAGCAAGATCTACTTTTCTTAGACATGCTCAAGTTCTTGTGTTTGTGTGTA-3'

ClinVar aggregate classification (germline): Pathogenic (1 of 4 stars; one submission).

Conditions:
Familial cancer of breast. Also called: Hereditary breast cancer; BREAST CANCER, FAMILIAL; hereditary breast carcinoma. Identifiers: Orphanet 227535, MedGen C0346153, MONDO:0016419, OMIM 114480. Disease mechanism: loss of function.

Submission:

Myriad Genetics, Inc.
Classification: Pathogenic for Familial cancer of breast. Last evaluated: 2023-08-07. Review status: criteria provided, single submitter. Criteria: Myriad Autosomal Dominant, Autosomal Recessive and X-Linked Classification Criteria (2023). Collection method: clinical testing. Allele origin: unknown.
Comment: This variant is considered pathogenic. This variant creates a frameshift predicted to result in premature protein truncation.